The following is an entry in ClinVar:

NM_001114753.3(ENG):c.704C>T (p.Thr235Met)

Gene: ENG (endoglin; minus strand). Cytogenetic location: 9q34.11.
Variant type: single nucleotide variant.
Coding change: c.704C>T on transcript NM_001114753.3 (MANE Select); coding-DNA position 704, C replaced by T.
Protein change: p.Thr235Met; replaces threonine 235 with methionine.
Molecular consequence: missense variant.
Genome position (GRCh38, 1-based): chr9:127,825,343, G>A on the plus strand (C>T on the coding strand, the complement: ENG is on the minus strand). VCF-style: chr9-127825343-G-A. GRCh37 (hg19) VCF-style: chr9-130587622-G-A.
Other names: c.704C>T, p.Thr235Met (NM_000118.4, NM_001406715.1); c.158C>T, p.Thr53Met (NM_001278138.2); c.704C>T (NM_001114753.1); short protein forms T53M, T235M.
Identifiers: ClinVar variation 1046636 (VCV001046636.11), dbSNP rs1361480439, ClinGen allele CA374983444.
Genomic context (GRCh38, chr9:127,825,343, plus strand): 5'-CCCTGCAGGATGAGGACGGCATCGAGATCCCCGGGTGCGCAGCTCAGTTCCACCTTCACC[G>A]TCACCGTCCGGGGCCTGCGGGGAGACAGACGCGGATGGAACACTGAAGCGGACAGGCCAG-3'
Protein context (NP_001108225.1, residues 225-245): PGHSAGPRTV[Thr235Met]VKVELSCAPG

ClinVar aggregate classification (germline): Uncertain significance. Review status: criteria provided, multiple submitters, no conflicts (2 of 4 stars). 2 submissions from 2 submitters: Uncertain significance (2). Last evaluated 2026-01-15.

Conditions:
Hereditary hemorrhagic telangiectasia (HHT). Also called: Osler hemorrhagic telangiectasia syndrome; ORW DISEASE; Osler Weber Rendu syndrome; OSLER-RENDU-WEBER DISEASE. Identifiers: Orphanet 774, MedGen C0039445, MONDO:0019180. Disease mechanism: loss of function.
Cardiovascular phenotype. Identifiers: MedGen CN230736.

Allele frequency attached by ClinVar (database versions not stated): TOPMed below 0.00001; gnomAD 0.00001; gnomAD exomes 0.00001.
gnomAD v4.1: 11 of 1,610,236 alleles (0.00068%); highest among the groups gnomAD compares: South Asian, 0.0055%; no homozygotes.

Submissions (2):

Ambry Genetics
Classification: Uncertain significance for Cardiovascular phenotype. Last evaluated: 2026-01-15. Review status: criteria provided, single submitter. Criteria: Ambry Variant Classification Scheme 2023. Collection method: clinical testing. Allele origin: germline.
Comment: The p.T235M variant (also known as c.704C>T), located in coding exon 6 of the ENG gene, results from a C to T substitution at nucleotide position 704. The threonine at codon 235 is replaced by methionine, an amino acid with similar properties. This amino acid position is conserved. In addition, this alteration is predicted to be tolerated by in silico analysis. Based on the available evidence, the clinical significance of this variant remains unclear.

Labcorp Genetics (formerly Invitae), Labcorp
Classification: Uncertain significance for Hereditary hemorrhagic telangiectasia. Last evaluated: 2022-10-04. Review status: criteria provided, single submitter. Criteria: Invitae Variant Classification Sherloc (09022015). Collection method: clinical testing. Allele origin: germline.
Comment: Advanced modeling of protein sequence and biophysical properties (such as structural, functional, and spatial information, amino acid conservation, physicochemical variation, residue mobility, and thermodynamic stability) has been performed at Invitae for this missense variant, however the output from this modeling did not meet the statistical confidence thresholds required to predict the impact of this variant on ENG protein function. This sequence change replaces threonine, which is neutral and polar, with methionine, which is neutral and non-polar, at codon 235 of the ENG protein (p.Thr235Met). The frequency data for this variant in the population databases is considered unreliable, as metrics indicate poor data quality at this position in the gnomAD database. This variant has not been reported in the literature in individuals affected with ENG-related conditions. ClinVar contains an entry for this variant (Variation ID: 1046636). In summary, the available evidence is currently insufficient to determine the role of this variant in disease. Therefore, it has been classified as a Variant of Uncertain Significance.